The following is an entry in ClinVar:

NM_001042424.3(NSD2):c.445G>A (p.Ala149Thr)

Gene: NSD2 (nuclear receptor binding SET domain protein 2; plus strand). Cytogenetic location: 4p16.3.
Variant type: single nucleotide variant.
Coding change: c.445G>A on transcript NM_001042424.3 (MANE Select); coding-DNA position 445, G replaced by A.
Protein change: p.Ala149Thr; replaces alanine 149 with threonine.
Molecular consequence: missense variant. On other transcripts: 5 prime UTR variant (2).
Genome position (GRCh38, 1-based): chr4:1,901,099, G>A. VCF-style: chr4-1901099-G-A. GRCh37 (hg19) VCF-style: chr4-1902826-G-A.
Other names: c.445G>A, p.Ala149Thr (NM_001440892.1, NM_001440893.1, NM_001440894.1 and 9 more transcripts); c.-362G>A (NM_001440899.1); c.-629G>A (NM_001440900.1); short protein forms A149T.
Identifiers: ClinVar variation 4822187 (VCV004822187.4).
Genomic context (GRCh38, chr4:1,901,099, plus strand): 5'-ACCAAAACATACATGAATGGGAAGCCTCTCTTTGAATCTTCCATTTGTGGTGACAGTGCT[G>A]CTGATGTGTCTCAGTCAGAAGAAAATGGACAAAAACCAGAAAACAAGGCGAGAAGGAACA-3'
Protein context (NP_001035889.1, residues 139-159): FESSICGDSA[Ala149Thr]DVSQSEENGQ

ClinVar aggregate classification (germline): Likely benign (1 of 4 stars; one submission).

gnomAD v4.1: 23 of 1,614,080 alleles (0.0014%); highest among the groups gnomAD compares: Admixed American, 0.018%; no homozygotes.

Submission:

CeGaT Center for Human Genetics Tuebingen
Classification: Likely benign. Last evaluated: 2026-03-01. Review status: criteria provided, single submitter. Criteria: CeGaT Center For Human Genetics Tuebingen Variant Classification Criteria Version 2. Collection method: clinical testing. Allele origin: germline. Affected: yes. Observed: 1 variant allele.
Comment: NSD2: BS1